The following is an entry in ClinVar:

ClinVar aggregate classification (germline): Uncertain significance (1 of 4 stars; one submission).

Conditions:
Sulfite oxidase deficiency due to molybdenum cofactor deficiency type C. Also called: Molybdenum cofactor deficiency C; Molybdenum cofactor deficiency, complementation group C. Identifiers: Orphanet 308400, Orphanet 833, MedGen C1854990, MONDO:0014212, OMIM 615501.

Submission:

Labcorp Genetics (formerly Invitae), Labcorp
Classification: Uncertain significance for Sulfite oxidase deficiency due to molybdenum cofactor deficiency type C. Last evaluated: 2024-02-29. Review status: criteria provided, single submitter. Criteria: Invitae Variant Classification Sherloc (09022015). Collection method: clinical testing. Allele origin: germline.
Comment: This sequence change replaces serine, which is neutral and polar, with threonine, which is neutral and polar, at codon 283 of the GPHN protein (p.Ser283Thr). This variant is present in population databases (no rsID available, gnomAD 0.003%). This variant has not been reported in the literature in individuals affected with GPHN-related conditions. Advanced modeling of protein sequence and biophysical properties (such as structural, functional, and spatial information, amino acid conservation, physicochemical variation, residue mobility, and thermodynamic stability) performed at Invitae indicates that this missense variant is not expected to disrupt GPHN protein function with a negative predictive value of 80%. In summary, the available evidence is currently insufficient to determine the role of this variant in disease. Therefore, it has been classified as a Variant of Uncertain Significance.

NM_020806.5(GPHN):c.847T>A (p.Ser283Thr)

Gene: GPHN (gephyrin; plus strand). Cytogenetic location: 14q23.3.
Variant type: single nucleotide variant.
Coding change: c.847T>A on transcript NM_020806.5 (MANE Select); coding-DNA position 847, T replaced by A.
Protein change: p.Ser283Thr; replaces serine 283 with threonine.
Molecular consequence: missense variant.
Genome position (GRCh38, 1-based): chr14:66,965,209, T>A. VCF-style: chr14-66965209-T-A. GRCh37 (hg19) VCF-style: chr14-67431926-T-A.
Other names: c.748T>A, p.Ser250Thr (NM_001024218.2, NM_001377515.1, NM_001377516.1 and 2 more transcripts); c.787T>A, p.Ser263Thr (NM_001377514.1, NM_001377519.1); short protein forms S263T, S250T, S283T.
Identifiers: ClinVar variation 3642299 (VCV003642299.2).